The following is an entry in ClinVar:

ClinVar aggregate classification (germline): Uncertain significance (0 of 4 stars; one submission).

Conditions:
HLTF-related disorder. Also called: HLTF-related condition.

gnomAD v4.1: 279 of 1,613,420 alleles (0.017%); highest among the groups gnomAD compares: Non-Finnish European, 0.017%; no homozygotes.

Submission:

PreventionGenetics, part of Exact Sciences
Classification: Uncertain significance for HLTF-related condition. Last evaluated: 2024-07-10. Review status: no assertion criteria provided. Collection method: clinical testing. Allele origin: germline.
Comment: The HLTF c.584A>G variant is predicted to result in the amino acid substitution p.Tyr195Cys. To our knowledge, this variant has not been reported in the literature. This variant is reported in 0.088% of alleles in individuals of European (Finnish) descent in gnomAD, which may be too common to be causative. Although we suspect that this variant may be benign, at this time, the clinical significance of this variant is uncertain due to the absence of conclusive functional and genetic evidence.

NM_003071.4(HLTF):c.584A>G (p.Tyr195Cys)

Gene: HLTF (helicase like transcription factor; minus strand). Cytogenetic location: 3q24.
Variant type: single nucleotide variant.
Coding change: c.584A>G on transcript NM_003071.4 (MANE Select); coding-DNA position 584, A replaced by G.
Protein change: p.Tyr195Cys; replaces tyrosine 195 with cysteine.
Molecular consequence: missense variant.
Genome position (GRCh38, 1-based): chr3:149,073,268, T>C on the plus strand (A>G on the coding strand, the complement: HLTF is on the minus strand). VCF-style: chr3-149073268-T-C. GRCh37 (hg19) VCF-style: chr3-148791055-T-C.
Other names: c.584A>G, p.Tyr195Cys (NM_001318934.2, NM_001318935.2, NM_139048.3); short protein forms Y195C.
Identifiers: ClinVar variation 3351649 (VCV003351649.1).
Genomic context (GRCh38, chr3:149,073,268, plus strand): 5'-ATAAAAGAGAAGCACACCTGTTCAGTTGTCATCTGTACTGCAGCATGCACTGGCATACTA[T>C]AGCTTGGTCCAGCTCTTCCAGAGCCCCAACCACTTTCCAAATTGAATCCTAAAGCTATAA-3'
Protein context (NP_003062.2, residues 185-205): GWGSGRAGPS[Tyr195Cys]SMPVHAAVQM